The following is an entry in ClinVar:

NM_001128164.2(ATXN1):c.588GCA[15] (p.Gln208_His209insGlnGln)

Genes: ATXN1 (ataxin 1; minus strand), LOC108663993 (ataxin 1 repeat instability region; plus strand). Cytogenetic location: 6p22.3.
Variant type: Microsatellite.
Coding change: c.588GCA[15] on transcript NM_001128164.2 (MANE Select); 15 copies in a row of the 3-base unit GCA starting at c.588; the reference has 13 copies in a row; two copies, 6 bases duplicated.
Protein change: p.Gln208_His209insGlnGln.
Molecular consequence: inframe insertion. On other transcripts: inframe indel (1), no sequence alteration (1).
Genome position (GRCh38, 1-based): chr6:16,327,685-16,327,690, TGCTGC duplicated on the plus strand (GCAGCA on the coding strand, the reverse complement: ATXN1 is on the minus strand); duplicating any 6 consecutive bases within chr6:16,327,685-16,327,724 gives the same sequence; the position shown is the placement nearest the transcript's 3' end. VCF-style (leftmost placement, unchanged base first): chr6-16327684-A-ATGCTGC. GRCh37 (hg19) VCF-style: chr6-16327915-A-ATGCTGC.
Other names: c.587_589AGC[15], p.Gln208_His209insGlnGln (NM_000332.3); c.588GCA[15], p.Gln208_His209insGlnGln (NM_000332.4); c.558_*2AGC[15], p.Ter186_Ter(186_?)(?) (NM_001357857.2); c.621_626dup6 (NM_000332.3).
Identifiers: ClinVar variation 3057230 (VCV003057230.4), dbSNP rs193922926, ClinGen allele CA645566725.
Genomic context (GRCh38, chr6:16,327,684, plus strand): 5'-CCTGCTGAGGTGCTGCTGCTGCTGCTGCTGCTGCTGCTGCTGCTGCTGCTGCTGATGCTG[A>ATGCTGC]TGCTGCTGCTGCTGCTGCTGCTGCTGCTGCTGCTGCTGCTCAGCCTTGTGTCCCGGCGTC-3'

ClinVar aggregate classification (germline): Likely benign. Review status: criteria provided, multiple submitters, no conflicts (2 of 4 stars). 3 submissions from 3 submitters: Likely benign (2). 1 of the submissions does not count toward it. Last evaluated 2025-02-16.

Conditions:
ATXN1-related disorder. Also called: ATXN1-related condition.

Submissions (3):

Laboratory of Genetics, Children's Clinical University Hospital Latvia
Classification: Likely benign. Last evaluated: 2025-02-16. Review status: criteria provided, single submitter. Criteria: ACMG Guidelines, 2015. Collection method: clinical testing. Allele origin: germline. Affected: yes.

Blueprint Genetics
Classification: Likely benign. Last evaluated: 2024-11-27. Review status: criteria provided, single submitter. Criteria: ACMG Guidelines, 2015. Collection method: clinical testing. Allele origin: germline.

PreventionGenetics, part of Exact Sciences
Classification: Likely benign for ATXN1-related condition. Last evaluated: 2020-02-28. Review status: no assertion criteria provided. Collection method: clinical testing. Allele origin: germline. Not counted in ClinVar's aggregate classification.
Comment: This variant is classified as likely benign based on ACMG/AMP sequence variant interpretation guidelines (Richards et al. 2015 PMID: 25741868, with internal and published modifications).